The following is an entry in ClinVar:

NM_001151.4(SLC25A4):c.481A>G (p.Ile161Val)

Gene: SLC25A4 (solute carrier family 25 member 4; plus strand). Cytogenetic location: 4q35.1.
Variant type: single nucleotide variant.
Coding change: c.481A>G on transcript NM_001151.4 (MANE Select); coding-DNA position 481, A replaced by G.
Protein change: p.Ile161Val; replaces isoleucine 161 with valine.
Molecular consequence: missense variant.
Genome position (GRCh38, 1-based): chr4:185,145,133, A>G. VCF-style: chr4-185145133-A-G. GRCh37 (hg19) VCF-style: chr4-186066287-A-G.
Other names: short protein forms I161V.
Identifiers: ClinVar variation 2072006 (VCV002072006.6), dbSNP rs137936792, ClinGen allele CA3156477.
Genomic context (GRCh38, chr4:185,145,133, plus strand): 5'-TTGGCTGCTGATGTGGGCAAGGGCGCCGCCCAGCGTGAGTTCCATGGTCTGGGCGACTGT[A>G]TCATCAAGATCTTCAAGTCTGATGGCCTGAGGGGGCTCTACCAGGGTTTCAACGTCTCTG-3'
Protein context (NP_001142.2, residues 151-171): QREFHGLGDC[Ile161Val]IKIFKSDGLR

ClinVar aggregate classification (germline): Uncertain significance. Review status: criteria provided, multiple submitters, no conflicts (2 of 4 stars). 3 submissions from 3 submitters: Uncertain significance (3). Last evaluated 2026-02-25.

Conditions:
Inborn genetic diseases. Identifiers: MedGen C0950123, MeSH D030342.

Allele frequency attached by ClinVar (database versions not stated): gnomAD exomes 0.00001; ExAC 0.00002; gnomAD 0.00005; TOPMed 0.00006; ESP Exome Variant Server 0.00015.
gnomAD v4.1: 18 of 1,612,702 alleles (0.0011%); highest among the groups gnomAD compares: African/African-American, 0.021%; no homozygotes.

Submissions (3):

GeneDx
Classification: Uncertain significance. Last evaluated: 2026-02-25. Review status: criteria provided, single submitter. Criteria: GeneDx Variant Classification Process June 2021. Collection method: clinical testing. Allele origin: germline.
Comment: Not observed at significant frequency in large population cohorts (gnomAD); In silico analysis suggests that this missense variant does not alter protein structure/function; Has not been previously published as pathogenic or benign to our knowledge

Labcorp Genetics (formerly Invitae), Labcorp
Classification: Uncertain significance. Last evaluated: 2024-05-06. Review status: criteria provided, single submitter. Criteria: Invitae Variant Classification Sherloc (09022015). Collection method: clinical testing. Allele origin: germline.
Comment: This sequence change replaces isoleucine, which is neutral and non-polar, with valine, which is neutral and non-polar, at codon 161 of the SLC25A4 protein (p.Ile161Val). This variant is present in population databases (rs137936792, gnomAD 0.007%). This variant has not been reported in the literature in individuals affected with SLC25A4-related conditions. ClinVar contains an entry for this variant (Variation ID: 2072006). Advanced modeling of protein sequence and biophysical properties (such as structural, functional, and spatial information, amino acid conservation, physicochemical variation, residue mobility, and thermodynamic stability) performed at Invitae indicates that this missense variant is not expected to disrupt SLC25A4 protein function with a negative predictive value of 80%. In summary, the available evidence is currently insufficient to determine the role of this variant in disease. Therefore, it has been classified as a Variant of Uncertain Significance.

Ambry Genetics
Classification: Uncertain significance for Inborn genetic diseases. Last evaluated: 2022-04-13. Review status: criteria provided, single submitter. Criteria: Ambry Variant Classification Scheme 2023. Collection method: clinical testing. Allele origin: germline.